The following is an entry in ClinVar:

NM_016529.6(ATP8A2):c.221+2T>G

Gene: ATP8A2 (ATPase phospholipid transporting 8A2). Cytogenetic location: 13q12.13.
Variant type: single nucleotide variant.
Coding change: c.221+2T>G on transcript NM_016529.6 (MANE Select); the canonical splice donor site of the intron after coding-DNA position 221, T replaced by G.
Molecular consequence: splice donor variant.
Genome position (GRCh38, 1-based): chr13:25,469,123, T>G. VCF-style: chr13-25469123-T-G. GRCh37 (hg19) VCF-style: chr13-26043261-T-G.
Other names: c.221+2T>G (NM_001411005.1, NM_001411006.1); c.101+2T>G (NM_001313741.1).
Identifiers: ClinVar variation 4851268 (VCV004851268.1).
Genomic context (GRCh38, chr13:25,469,123, plus strand): 5'-GCCCGCACCATTTACCTCAACCAACCGCATCTCAACAAATTCCGCGACAACCAGATCAGG[T>G]AGGAGAAGGCGGCCGGCTCGCGCGGAAGGCGGTGGAGTCACAGCTGGGAAGGGGCTCGTC-3'

ClinVar aggregate classification (germline): Likely pathogenic (1 of 4 stars; one submission).

Conditions:
Cerebellar ataxia, impaired intellectual development, and dysequilibrium syndrome 4. Also called: CEREBELLAR ATAXIA AND MENTAL RETARDATION WITH OR WITHOUT QUADRUPEDAL LOCOMOTION 4; Cerebellar ataxia, mental retardation, and dysequilibrium syndrome 4; Cerebellar ataxia, intellectual disability, and dysequilibrium syndrome 4. Identifiers: Orphanet 1766, MedGen C3808977, MONDO:0014104, OMIM 615268.

Submission:

Kasturba Medical College, Manipal, Kasturba Medical College, Manipal, Manipal Academy of Higher Education, Manipal, India
Classification: Likely pathogenic for Cerebellar ataxia, impaired intellectual development, and dysequilibrium syndrome 4. Last evaluated: 2026-05-13. Review status: criteria provided, single submitter. Criteria: ACMG Guidelines, 2015. Collection method: research. Allele origin: biparental. Inheritance: Autosomal recessive inheritance. Affected: yes. Observed: 1 variant allele, 1 homozygote.
Comment: This variant is absent in the gnomAD (v4.1.0) population database and in our in-house data of 4231 exomes.